The following is an entry in ClinVar:

ClinVar aggregate classification (germline): Conflicting classifications of pathogenicity. Review status: criteria provided, conflicting classifications (1 of 4 stars). 5 submissions from 4 submitters: Uncertain significance (2); Benign (1); Likely benign (1). 1 of the submissions does not count toward it. Last evaluated 2026-01-31.

Conditions:
Leigh syndrome (NULS). Also called: Leigh Disease; Subacute necrotizing encephalopathy; Necrotizing encephalopathy infantile subacute of Leigh; Leigh's necrotizing encephalopathy; Leigh's disease; Leigh Syndrome (mtDNA deletion). Identifiers: Orphanet 506, MedGen C2931891, MONDO:0009723, OMIM 256000.
NDUFV1-related disorder. Also called: NDUFV1-related disorders; NDUFV1-related condition.
Mitochondrial complex I deficiency, nuclear type 1. Also called: NADH-COENZYME Q REDUCTASE DEFICIENCY; MITOCHONDRIAL NADH DEHYDROGENASE COMPONENT OF COMPLEX I, DEFICIENCY OF. Identifiers: MedGen C6022305, MONDO:0100224, OMIM 252010.

Allele frequency attached by ClinVar (database versions not stated): 1000 Genomes Project 30x 0.00141; ExAC 0.00029; ESP Exome Variant Server 0.00054; TOPMed 0.00065; 1000 Genomes Project 0.00080; gnomAD 0.00083.
gnomAD v4.1: 253 of 1,613,680 alleles (0.016%); highest among the groups gnomAD compares: African/African-American, 0.23%; no homozygotes.

Submissions (5):

Labcorp Genetics (formerly Invitae), Labcorp
Classification: Likely benign. Last evaluated: 2026-01-31. Review status: criteria provided, single submitter. Criteria: Invitae Variant Classification Sherloc (09022015). Collection method: clinical testing. Allele origin: germline.

Illumina Laboratory Services, Illumina
Classification: Uncertain significance for Leigh syndrome. Last evaluated: 2018-01-12. Review status: criteria provided, single submitter. Criteria: ICSL Variant Classification Criteria 13 December 2019. Collection method: clinical testing. Allele origin: germline.

Illumina Laboratory Services, Illumina
Classification: Uncertain significance for Mitochondrial complex I deficiency, nuclear type 1. Last evaluated: 2018-01-12. Review status: criteria provided, single submitter. Criteria: ICSL Variant Classification Criteria 13 December 2019. Collection method: clinical testing. Allele origin: germline.

GeneDx
Classification: Benign. Last evaluated: 2015-05-28. Review status: criteria provided, single submitter. Criteria: GeneDx Variant Classification (06012015). Collection method: clinical testing. Allele origin: germline. Affected: yes.
Comment: This variant is considered likely benign or benign based on one or more of the following criteria: it is a conservative change, it occurs at a poorly conserved position in the protein, it is predicted to be benign by multiple in silico algorithms, and/or has population frequency not consistent with disease.

PreventionGenetics, part of Exact Sciences
Classification: Likely benign for NDUFV1-related condition. Last evaluated: 2019-12-24. Review status: no assertion criteria provided. Collection method: clinical testing. Allele origin: germline. Not counted in ClinVar's aggregate classification.
Comment: This variant is classified as likely benign based on ACMG/AMP sequence variant interpretation guidelines (Richards et al. 2015 PMID: 25741868, with internal and published modifications).

NM_007103.4(NDUFV1):c.366G>A (p.Pro122=)

Gene: NDUFV1 (NADH:ubiquinone oxidoreductase core subunit V1; plus strand). Cytogenetic location: 11q13.2.
Variant type: single nucleotide variant.
Coding change: c.366G>A on transcript NM_007103.4 (MANE Select); coding-DNA position 366, G replaced by A.
Protein change: p.Pro122=; no amino-acid change (proline 122 retained).
Molecular consequence: synonymous variant.
Genome position (GRCh38, 1-based): chr11:67,609,491, G>A. VCF-style: chr11-67609491-G-A. GRCh37 (hg19) VCF-style: chr11-67376962-G-A.
Other names: c.339G>A, p.Pro113= (NM_001166102.2).
Identifiers: ClinVar variation 305744 (VCV000305744.15), dbSNP rs140445386, ClinGen allele CA6143155.